The following is an entry in ClinVar:

NM_001999.4(FBN2):c.4055G>C (p.Cys1352Ser)

Gene: FBN2 (fibrillin 2; minus strand). Cytogenetic location: 5q23.3.
Variant type: single nucleotide variant.
Coding change: c.4055G>C on transcript NM_001999.4 (MANE Select); coding-DNA position 4055, G replaced by C.
Protein change: p.Cys1352Ser; replaces cysteine 1352 with serine.
Molecular consequence: missense variant.
Genome position (GRCh38, 1-based): chr5:128,334,763, C>G on the plus strand (G>C on the coding strand, the complement: FBN2 is on the minus strand). VCF-style: chr5-128334763-C-G. GRCh37 (hg19) VCF-style: chr5-127670455-C-G.
Other names: short protein forms C1352S.
Identifiers: ClinVar variation 930425 (VCV000930425.3), dbSNP rs1750790929, ClinGen allele CA360756964.

ClinVar aggregate classification (germline): Likely pathogenic (1 of 4 stars; one submission).

Conditions:
Macular degeneration, early-onset (EOMD). Identifiers: MedGen C4015286, MONDO:0014501, OMIM 616118.

Submission:

Centre for Mendelian Genomics, University Medical Centre Ljubljana
Classification: Likely pathogenic for Macular degeneration, early-onset. Last evaluated: 2019-03-05. Review status: criteria provided, single submitter. Criteria: ACMG Guidelines, 2015. Collection method: clinical testing. Allele origin: unknown. Affected: yes.
Comment: This variant was classified as: Likely pathogenic. The following ACMG criteria were applied in classifying this variant: PM1,PM2,PM6,PP3.